The following is an entry in ClinVar:

NM_001378454.1(ALMS1):c.8174_8184del (p.Cys2725fs)

Gene: ALMS1 (ALMS1 centrosome and basal body associated protein; plus strand). Cytogenetic location: 2p13.1.
Variant type: Deletion.
Coding change: c.8174_8184del on transcript NM_001378454.1 (MANE Select); coding-DNA positions 8174 to 8184, 11 bases deleted (GCATTTCCAAT).
Protein change: p.Cys2725fs; shifts the reading frame from cysteine 2725.
Molecular consequence: frameshift variant.
Genome position (GRCh38, 1-based): chr2:73,490,133-73,490,143, GCATTTCCAAT deleted; deleting any 11 consecutive bases within chr2:73,490,130-73,490,143 gives the same sequence; the c. name uses the placement nearest the transcript's 3' end. VCF-style (leftmost placement, unchanged base first): chr2-73490129-AAATGCATTTCC-A. GRCh37 (hg19) VCF-style: chr2-73717256-AAATGCATTTCC-A.
Other names: c.8177_8187del, p.Cys2726fs (NM_015120.4); short protein forms C2726fs, C2725fs.
Identifiers: ClinVar variation 1455822 (VCV001455822.7), dbSNP rs2103890894, ClinGen allele CA2573135760.

ClinVar aggregate classification (germline): Pathogenic. Review status: criteria provided, multiple submitters, no conflicts (2 of 4 stars). 3 submissions from 3 submitters: Pathogenic (3). Last evaluated 2023-03-31.

Conditions:
ALMS1-related disorder. Also called: ALMS1-related condition.
Alstrom syndrome (ALMS). Identifiers: Orphanet 64, MedGen C0268425, MONDO:0008763, OMIM 203800.

Submissions (3):

Blueprint Genetics
Classification: Pathogenic for ALMS1-related disorders. Last evaluated: 2023-03-31. Review status: criteria provided, single submitter. Criteria: ACMG Guidelines, 2015. Collection method: clinical testing. Allele origin: germline. Affected: yes. Observed: 2 variant alleles.

GeneDx
Classification: Pathogenic. Last evaluated: 2022-09-19. Review status: criteria provided, single submitter. Criteria: GeneDx Variant Classification Process June 2021. Collection method: clinical testing. Allele origin: germline. Affected: yes.
Comment: Frameshift variant predicted to result in protein truncation or nonsense mediated decay in a gene for which loss of function is a known mechanism of disease; Not observed at significant frequency in large population cohorts (gnomAD); This variant is associated with the following publications: (PMID: 17594715)

Labcorp Genetics (formerly Invitae), Labcorp
Classification: Pathogenic for Alstrom syndrome. Last evaluated: 2021-10-08. Review status: criteria provided, single submitter. Criteria: Invitae Variant Classification Sherloc (09022015). Collection method: clinical testing. Allele origin: germline.
Comment: For these reasons, this variant has been classified as Pathogenic. This premature translational stop signal has been observed in individual(s) with Alstrom syndrome (PMID: 17594715). This variant is not present in population databases (ExAC no frequency). This sequence change creates a premature translational stop signal (p.Cys2726Phefs*5) in the ALMS1 gene. It is expected to result in an absent or disrupted protein product. Loss-of-function variants in ALMS1 are known to be pathogenic (PMID: 17594715).

Literature cited by the submitters: PubMed 17594715 (cited by Labcorp Genetics (formerly Invitae), Labcorp).